The following is an entry in ClinVar:

NM_139076.3(ABRAXAS1):c.7G>C (p.Gly3Arg)

Genes: ABRAXAS1 (abraxas 1, BRCA1 A complex subunit; minus strand), LOC129992784 (ATAC-STARR-seq lymphoblastoid silent region 15542; plus strand). Cytogenetic location: 4q21.23.
Variant type: single nucleotide variant.
Coding change: c.7G>C on transcript NM_139076.3 (MANE Select); coding-DNA position 7, G replaced by C.
Protein change: p.Gly3Arg; replaces glycine 3 with arginine.
Molecular consequence: missense variant. On other transcripts: 5 prime UTR variant (1).
Genome position (GRCh38, 1-based): chr4:83,485,066, C>G on the plus strand (G>C on the coding strand, the complement: ABRAXAS1 is on the minus strand). VCF-style: chr4-83485066-C-G. GRCh37 (hg19) VCF-style: chr4-84406219-C-G.
Other names: c.-254G>C (NM_001345962.2); short protein forms G3R.
Identifiers: ClinVar variation 416705 (VCV000416705.17), dbSNP rs370520589, ClinGen allele CA2990696.

ClinVar aggregate classification (germline): Conflicting classifications of pathogenicity. Review status: criteria provided, conflicting classifications (1 of 4 stars). 4 submissions from 4 submitters: Uncertain significance (1); Benign (1); Likely benign (1). 1 of the submissions does not count toward it. Last evaluated 2025-12-10.

Allele frequency attached by ClinVar (database versions not stated): TOPMed 0.00015; 1000 Genomes Project 30x 0.00016; 1000 Genomes Project 0.00020.

Submissions (4):

Labcorp Genetics (formerly Invitae), Labcorp
Classification: Likely benign. Last evaluated: 2025-12-10. Review status: criteria provided, single submitter. Criteria: Invitae Variant Classification Sherloc (09022015). Collection method: clinical testing. Allele origin: germline.

Ambry Genetics
Classification: Uncertain significance. Last evaluated: 2025-04-02. Review status: criteria provided, single submitter. Criteria: Ambry Variant Classification Scheme 2023. Collection method: clinical testing. Allele origin: germline.

Women's Health and Genetics/Laboratory Corporation of America, LabCorp
Classification: Benign. Last evaluated: 2016-11-04. Review status: criteria provided, single submitter. Criteria: LabCorp Variant Classification Summary - May 2015. Collection method: clinical testing. Allele origin: germline.
Comment: Variant summary: The FAM175A c.7G>C (p.Gly3Arg) variant causes a missense change involving a conserved nucleotide with 4/4 in silico tools (SNPs&GO not captured due to low reliability index) predict a damaging outcome, although these predictions have yet to be functionally assessed. The variant of interest was observed in the large, broad control population, ExAC, with an allele frequency of 21/110618 (1/5268), predominantly in the East Asian cohort, 11/8310 (1/755), which significantly exceeds the estimated maximal expected allele frequency for a pathogenic FAM175A variant of 1/31948. Therefore, suggesting the variant is a common polymorphism found in population(s) of East Asian origin. The variant of interest, to our knowledge, has not been reported in affected individuals via publications and/or reputable databases/clinical diagnostic laboratories. Therefore, the variant of interest has been classified as Benign.

Department of Pathology and Laboratory Medicine, Sinai Health System
Classification: Uncertain significance. Review status: no assertion criteria provided. Collection method: clinical testing. Allele origin: unknown. Affected: yes. Study: The Canadian Open Genetics Repository (COGR). Not counted in ClinVar's aggregate classification.
Comment: The ABRAXAS1 p.Gly3Arg variant was not identified in the literature nor was it identified in Cosmic or LOVD 3.0. The variant was identified in dbSNP (ID: rs370520589) and ClinVar (classified as benign by Integrated Genetics and as likely benign by Invitae). The variant was identified in control databases in 45 of 244124 chromosomes at a frequency of 0.0001843 (Genome Aggregation Database March 6, 2019, v2.1.1, non-cancer). The variant was observed in the following populations: East Asian in 14 of 15954 chromosomes (freq: 0.000878), Latino in 13 of 32124 chromosomes (freq: 0.000405), Other in 2 of 5956 chromosomes (freq: 0.000336), South Asian in 6 of 28140 chromosomes (freq: 0.000213), African in 3 of 18920 chromosomes (freq: 0.000159) and European (non-Finnish) in 7 of 109034 chromosomes (freq: 0.000064), but was not observed in the Ashkenazi Jewish, or European (Finnish) populations. The p.Gly3 residue is conserved in mammals but not in more distantly related organisms, and four out of five computational analyses (PolyPhen-2, SIFT, AlignGVGD, BLOSUM, MutationTaster) suggest that the variant may impact the protein; however, this information is not predictive enough to assume pathogenicity. The variant occurs outside of the splicing consensus sequence and in silico or computational prediction software programs (SpliceSiteFinder, MaxEntScan, NNSPLICE, GeneSplicer) do not predict a difference in splicing. In summary, based on the above information the clinical significance of this variant cannot be determined with certainty at this time. This variant is classified as a variant of uncertain significance.